The following is an entry in ClinVar:

ClinVar aggregate classification (germline): Uncertain significance. Review status: criteria provided, multiple submitters, no conflicts (2 of 4 stars). 2 submissions from 2 submitters: Uncertain significance (2). Last evaluated 2025-08-12.

Conditions:
Epileptic encephalopathy. Identifiers: MedGen C0543888, HP:0200134.

Allele frequency attached by ClinVar (database versions not stated): gnomAD 0.00001; gnomAD exomes 0.00001; ExAC 0.00002; TOPMed 0.00004.
gnomAD v4.1: 10 of 1,613,974 alleles (0.00062%); highest among the groups gnomAD compares: East Asian, 0.0022%; no homozygotes.

Submissions (2):

Labcorp Genetics (formerly Invitae), Labcorp
Classification: Uncertain significance for Epileptic encephalopathy. Last evaluated: 2025-08-12. Review status: criteria provided, single submitter. Criteria: Invitae Variant Classification Sherloc (09022015). Collection method: clinical testing. Allele origin: germline.
Comment: This sequence change replaces valine, which is neutral and non-polar, with methionine, which is neutral and non-polar, at codon 349 of the GABBR2 protein (p.Val349Met). This variant is present in population databases (rs759044661, gnomAD 0.007%). This missense change has been observed in individuals with cerebral palsy and/or clinical features of early onset epileptic encephalopathy (PMID: 34055682, 38693247; internal data). ClinVar contains an entry for this variant (Variation ID: 575804). Invitae Evidence Modeling of protein sequence and biophysical properties (such as structural, functional, and spatial information, amino acid conservation, physicochemical variation, residue mobility, and thermodynamic stability) indicates that this missense variant is not expected to disrupt GABBR2 protein function with a negative predictive value of 80%. In summary, the available evidence is currently insufficient to determine the role of this variant in disease. Therefore, it has been classified as a Variant of Uncertain Significance.

Revvity Omics, Revvity
Classification: Uncertain significance. Last evaluated: 2025-02-28. Review status: criteria provided, single submitter. Criteria: ACMG Guidelines, 2015. Collection method: clinical testing. Allele origin: germline.

Literature cited by the submitters: PubMed 34055682 (cited by Labcorp Genetics (formerly Invitae), Labcorp); PubMed 38693247 (cited by Labcorp Genetics (formerly Invitae), Labcorp).

NM_005458.8(GABBR2):c.1045G>A (p.Val349Met)

Gene: GABBR2 (gamma-aminobutyric acid type B receptor subunit 2; minus strand). Cytogenetic location: 9q22.33.
Variant type: single nucleotide variant.
Coding change: c.1045G>A on transcript NM_005458.8 (MANE Select); coding-DNA position 1045, G replaced by A.
Protein change: p.Val349Met; replaces valine 349 with methionine.
Molecular consequence: missense variant.
Genome position (GRCh38, 1-based): chr9:98,454,172, C>T on the plus strand (G>A on the coding strand, the complement: GABBR2 is on the minus strand). VCF-style: chr9-98454172-C-T. GRCh37 (hg19) VCF-style: chr9-101216454-C-T.
Other names: short protein forms V349M.
Identifiers: ClinVar variation 575804 (VCV000575804.9), dbSNP rs759044661, ClinGen allele CA5152813.